The following is an entry in ClinVar:

NM_058246.4(DNAJB6):c.325C>A (p.Pro109Thr)

Gene: DNAJB6 (DnaJ heat shock protein family (Hsp40) member B6; plus strand). Cytogenetic location: 7q36.3.
Variant type: single nucleotide variant.
Coding change: c.325C>A on transcript NM_058246.4 (MANE Select); coding-DNA position 325, C replaced by A.
Protein change: p.Pro109Thr; replaces proline 109 with threonine.
Molecular consequence: missense variant.
Genome position (GRCh38, 1-based): chr7:157,367,462, C>A. VCF-style: chr7-157367462-C-A. GRCh37 (hg19) VCF-style: chr7-157160156-C-A.
Other names: c.325C>A, p.Pro109Thr (NM_001363676.1, NM_005494.3); c.325C>A (NM_058246.3); short protein forms P109T.
Identifiers: ClinVar variation 1411267 (VCV001411267.7), dbSNP rs780874443, ClinGen allele CA4590456.

ClinVar aggregate classification (germline): Uncertain significance. Review status: criteria provided, multiple submitters, no conflicts (2 of 4 stars). 2 submissions from 2 submitters: Uncertain significance (2). Last evaluated 2025-12-30.

Conditions:
Inborn genetic diseases. Identifiers: MedGen C0950123, MeSH D030342.
Autosomal dominant limb-girdle muscular dystrophy type 1D (DNAJB6) (LGMDD1). Also called: MUSCULAR DYSTROPHY, LIMB-GIRDLE, TYPE 1D; Autosomal dominant limb-girdle muscular dystrophy type 1D; Muscular dystrophy, limb-girdle, autosomal dominant 1; MUSCULAR DYSTROPHY, AUTOSOMAL DOMINANT, WITH RIMMED VACUOLES. Identifiers: Orphanet 34516, MedGen C4721885, MONDO:0021018, OMIM 603511.

Allele frequency attached by ClinVar (database versions not stated): gnomAD exomes below 0.00001; ExAC 0.00001.
gnomAD v4.1: 1 of 1,608,394 alleles (0.000062%); highest among the groups gnomAD compares: Non-Finnish European, 0.000085%; no homozygotes.

Submissions (2):

Ambry Genetics
Classification: Uncertain significance for Inborn genetic diseases. Last evaluated: 2025-12-30. Review status: criteria provided, single submitter. Criteria: Ambry Variant Classification Scheme 2023. Collection method: clinical testing. Allele origin: germline.
Comment: The c.325C>A (p.P109T) alteration is located in exon 5 (coding exon 4) of the DNAJB6 gene. This alteration results from a C to A substitution at nucleotide position 325, causing the proline (P) at amino acid position 109 to be replaced by a threonine (T). Based on data from gnomAD, the A allele has an overall frequency of <0.001% (1/251472) total alleles studied. The highest observed frequency was 0.001% (1/113762) of European (non-Finnish) alleles. Based on insufficient or conflicting evidence, the clinical significance of this alteration remains unclear.

Labcorp Genetics (formerly Invitae), Labcorp
Classification: Uncertain significance for Autosomal dominant limb-girdle muscular dystrophy type 1D (DNAJB6). Last evaluated: 2021-11-27. Review status: criteria provided, single submitter. Criteria: Invitae Variant Classification Sherloc (09022015). Collection method: clinical testing. Allele origin: germline.
Comment: This variant has not been reported in the literature in individuals affected with DNAJB6-related conditions. This variant is present in population databases (rs780874443, gnomAD 0.0009%). This sequence change replaces proline, which is neutral and non-polar, with threonine, which is neutral and polar, at codon 109 of the DNAJB6 protein (p.Pro109Thr). Algorithms developed to predict the effect of missense changes on protein structure and function are either unavailable or do not agree on the potential impact of this missense change (SIFT: "Deleterious"; PolyPhen-2: "Possibly Damaging"; Align-GVGD: "Class C0"). In summary, the available evidence is currently insufficient to determine the role of this variant in disease. Therefore, it has been classified as a Variant of Uncertain Significance.